The following is an entry in ClinVar:

NM_022370.4(ROBO3):c.3038C>T (p.Pro1013Leu)

Gene: ROBO3 (roundabout guidance receptor 3; plus strand). Cytogenetic location: 11q24.2.
Variant type: single nucleotide variant.
Coding change: c.3038C>T on transcript NM_022370.4 (MANE Select); coding-DNA position 3038, C replaced by T.
Protein change: p.Pro1013Leu; replaces proline 1013 with leucine.
Molecular consequence: missense variant. On other transcripts: non-coding transcript variant (3), intron variant (2).
Genome position (GRCh38, 1-based): chr11:124,877,988, C>T. VCF-style: chr11-124877988-C-T. GRCh37 (hg19) VCF-style: chr11-124747884-C-T.
Other names: c.185C>T, p.Pro62Leu (NM_001370356.1, NM_001370357.1, NM_001370358.1 and 2 more transcripts); c.134-310C>T (NM_001370364.1, NM_001370366.1); short protein forms P62L, P1013L.
Identifiers: ClinVar variation 3155627 (VCV003155627.3), dbSNP rs374534561, ClinGen allele CA6344031.
Genomic context (GRCh38, chr11:124,877,988, plus strand): 5'-TCTCTGCAGAAGCGGGAATCTCCCTGTATCTAGCTCAGACGGCCAGGGGCACGGCCGCCC[C>T]TGGCGAGGGTCCTGTCTATAGCACCATTGACCCAGCGGGGGAGGAGCTGCAGACCTTCCA-3'
Protein context (NP_071765.2, residues 1003-1023): LAQTARGTAA[Pro1013Leu]GEGPVYSTID

ClinVar aggregate classification (germline): Uncertain significance. Review status: criteria provided, multiple submitters, no conflicts (2 of 4 stars). 2 submissions from 2 submitters: Uncertain significance (2). Last evaluated 2025-04-08.

Conditions:
Inborn genetic diseases. Identifiers: MedGen C0950123, MeSH D030342.

Allele frequency attached by ClinVar (database versions not stated): gnomAD exomes 0.00001; TOPMed 0.00003; ExAC 0.00002; gnomAD 0.00001.
gnomAD v4.1: 17 of 1,611,362 alleles (0.0011%); highest among the groups gnomAD compares: East Asian, 0.013%; no homozygotes.

Submissions (2):

Women's Health and Genetics/Laboratory Corporation of America, LabCorp
Classification: Uncertain significance. Last evaluated: 2025-04-08. Review status: criteria provided, single submitter. Criteria: LabCorp Variant Classification Summary - May 2015. Collection method: clinical testing. Allele origin: germline.
Comment: Variant summary: ROBO3 c.3038C>T (p.Pro1013Leu) results in a non-conservative amino acid change in the encoded protein sequence. Three of five in-silico tools predict a benign effect of the variant on protein function. The variant allele was found at a frequency of 1.3e-05 in 239118 control chromosomes (gnomAD). The available data on variant occurrences in the general population are insufficient to allow any conclusion about variant significance. To our knowledge, no occurrence of c.3038C>T in individuals affected with Gaze Palsy, Familial Horizontal, With Progressive Scoliosis, 1 and no experimental evidence demonstrating its impact on protein function have been reported. ClinVar contains an entry for this variant (Variation ID: 3155627). Based on the evidence outlined above, the variant was classified as uncertain significance.

Ambry Genetics
Classification: Uncertain significance for Inborn genetic diseases. Last evaluated: 2023-11-18. Review status: criteria provided, single submitter. Criteria: Ambry Variant Classification Scheme 2023. Collection method: clinical testing. Allele origin: germline.